The following is an entry in ClinVar:

NM_172351.3(CD46):c.126_127del (p.Glu42fs)

Gene: CD46 (CD46 molecule; plus strand). Cytogenetic location: 1q32.2.
Variant type: Deletion.
Coding change: c.126_127del on transcript NM_172351.3 (MANE Select); coding-DNA positions 126 to 127, 2 bases deleted (AG; older notation c.126_127delAG).
Protein change: p.Glu42fs; shifts the reading frame from glutamic acid 42.
Molecular consequence: frameshift variant.
Genome position (GRCh38, 1-based): chr1:207,757,042-207,757,043, AG deleted. VCF-style (leftmost placement, unchanged base first): chr1-207757041-AAG-A. GRCh37 (hg19) VCF-style: chr1-207930386-AAG-A.
Other names: c.126_127del, p.Glu42fs (NM_002389.4, NM_153826.4, NM_172350.3 and 8 more transcripts); short protein forms E42fs.
Identifiers: ClinVar variation 3236244 (VCV003236244.2), dbSNP rs2526399084, ClinGen allele CA2825000912.
Genomic context (GRCh38, chr1:207,757,041, plus strand): 5'-TTCATCTTCATGTTCCTATTCTCTTATCCCTAGATGCCTGTGAGGAGCCACCAACATTTG[AAG>A]CTATGGAGCTCATTGGTAAACCAAAACCCTACTATGAGATTGGTGAACGAGTAGATTATA-3'

ClinVar aggregate classification (germline): Pathogenic (1 of 4 stars; one submission).

Conditions:
Atypical hemolytic-uremic syndrome with MCP/CD46 anomaly. Also called: HEMOLYTIC UREMIC SYNDROME, ATYPICAL, SUSCEPTIBILITY TO, 2; AHUS, SUSCEPTIBILITY TO, 2. Identifiers: Orphanet 2134, MedGen C2752040, MONDO:0013040, OMIM 612922.

Submission:

MVZ Medizinische Genetik Mainz
Classification: Pathogenic for Atypical hemolytic-uremic syndrome with MCP/CD46 anomaly. Last evaluated: 2023-08-08. Review status: criteria provided, single submitter. Criteria: UK Practice Guidelines For Variant Classification V4 01 2020. Collection method: clinical testing. Allele origin: germline. Inheritance: Autosomal recessive inheritance. Affected: yes. Observed: 2 variant alleles.
Comment: ACMG Criteria: PVS1,PM1_SUP,PM2_SUP